The following is an entry in ClinVar:

ClinVar aggregate classification (germline): Likely pathogenic (1 of 4 stars; one submission).

Submission:

Labcorp Genetics (formerly Invitae), Labcorp
Classification: Likely pathogenic. Last evaluated: 2022-07-08. Review status: criteria provided, single submitter. Criteria: Invitae Variant Classification Sherloc (09022015). Collection method: clinical testing. Allele origin: germline.
Comment: In summary, the currently available evidence indicates that the variant is pathogenic, but additional data are needed to prove that conclusively. Therefore, this variant has been classified as Likely Pathogenic. This variant has not been reported in the literature in individuals affected with TRPM1-related conditions. This variant is not present in population databases (gnomAD no frequency). This variant results in the deletion of part of exon 3 (c.18-118_32delinsGTTG) of the TRPM1 gene. It is expected to disrupt RNA splicing. Variants that disrupt the donor or acceptor splice site typically lead to a loss of protein function (PMID: 16199547), and loss-of-function variants in TRPM1 are known to be pathogenic (PMID: 19896113, 19966281, 20300565).

Literature cited by the submitters: PubMed 16199547; PubMed 19896113; PubMed 19966281; PubMed 20300565.

NM_001252024.2(TRPM1):c.84-118_98delinsGTTG

Gene: TRPM1 (transient receptor potential cation channel subfamily M member 1; minus strand). Cytogenetic location: 15q13.3.
Variant type: Indel.
Coding change: c.84-118_98delinsGTTG on transcript NM_001252024.2 (MANE Select); 118 bases into the intron before coding-DNA position 84 through coding-DNA position 98, the reference bases replaced by GTTG.
Molecular consequence: splice acceptor variant.
Genome position (GRCh38, 1-based): chr15:31,070,212-31,070,344, 133 bases replaced. GRCh37 (hg19): chr15:31,362,415-31,362,547.
Other names: c.135-118_149delinsGTTG (NM_001252020.2); c.18-118_32delinsGTTG (NM_002420.6, NM_001252030.2).
Identifiers: ClinVar variation 2014924 (VCV002014924.4), dbSNP rs2504230996, ClinGen allele CA2580089226.